The following is an entry in ClinVar:

NM_004991.4(MECOM):c.2571C>A (p.His857Gln)

Gene: MECOM (MDS1 and EVI1 complex locus; minus strand). Cytogenetic location: 3q26.2.
Variant type: single nucleotide variant.
Coding change: c.2571C>A on transcript NM_004991.4 (MANE Select); coding-DNA position 2571, C replaced by A.
Protein change: p.His857Gln; replaces histidine 857 with glutamine.
Molecular consequence: missense variant.
Genome position (GRCh38, 1-based): chr3:169,112,793, G>T on the plus strand (C>A on the coding strand, the complement: MECOM is on the minus strand). VCF-style: chr3-169112793-G-T. GRCh37 (hg19) VCF-style: chr3-168830581-G-T.
Other names: c.2202C>A, p.His734Gln (NM_001105077.4); c.2007C>A, p.His669Gln (NM_001105078.4, NM_001164000.2, NM_001205194.2 and 4 more transcripts); c.2010C>A, p.His670Gln (NM_001163999.2, NM_001366467.2, NM_001366468.2 and 1 more transcripts); c.2571C>A, p.His857Gln (NM_001366466.2); c.1599C>A, p.His533Gln (NM_001366473.2); c.1035C>A, p.His345Gln (NM_001366474.2); short protein forms H345Q, H533Q, H669Q, H670Q, H734Q, H857Q.
Identifiers: ClinVar variation 1315275 (VCV001315275.8), dbSNP rs371991943, ClinGen allele CA2696128.

ClinVar aggregate classification (germline): Conflicting classifications of pathogenicity. Review status: criteria provided, conflicting classifications (1 of 4 stars). 3 submissions from 3 submitters: Uncertain significance (1); Likely benign (2). Last evaluated 2025-08-18.

Allele frequency attached by ClinVar (database versions not stated): gnomAD 0.00009 and 0.00012; TOPMed 0.00011; ExAC 0.00016; gnomAD exomes 0.00024; 1000 Genomes Project 30x 0.00094; 1000 Genomes Project 0.00100.
gnomAD v4.1: 119 of 1,611,788 alleles (0.0074%); highest among the groups gnomAD compares: East Asian, 0.12%; no homozygotes.

Submissions (3):

Labcorp Genetics (formerly Invitae), Labcorp
Classification: Likely benign. Last evaluated: 2025-08-18. Review status: criteria provided, single submitter. Criteria: Invitae Variant Classification Sherloc (09022015). Collection method: clinical testing. Allele origin: germline.

Blueprint Genetics
Classification: Likely benign. Last evaluated: 2024-01-29. Review status: criteria provided, single submitter. Criteria: ACMG Guidelines, 2015. Collection method: clinical testing. Allele origin: germline.

GeneDx
Classification: Uncertain significance. Last evaluated: 2022-09-14. Review status: criteria provided, single submitter. Criteria: GeneDx Variant Classification Process June 2021. Collection method: clinical testing. Allele origin: germline. Affected: yes.
Comment: In silico analysis supports that this missense variant has a deleterious effect on protein structure/function; Has not been previously published as pathogenic or benign to our knowledge